The following is an entry in ClinVar:

ClinVar aggregate classification (germline): Uncertain significance. Review status: criteria provided, multiple submitters, no conflicts (2 of 4 stars). 3 submissions from 3 submitters: Uncertain significance (3). Last evaluated 2025-11-10.

Conditions:
Hereditary cancer-predisposing syndrome. Also called: Neoplastic Syndromes, Hereditary; Tumor predisposition; Hereditary Cancer Syndrome; Hereditary neoplastic syndrome. Identifiers: Orphanet 140162, MedGen C0027672, MeSH D009386, MONDO:0015356.
Familial cancer of breast. Also called: BREAST CANCER, FAMILIAL; hereditary breast carcinoma; Hereditary breast cancer. Identifiers: Orphanet 227535, MedGen C0346153, MONDO:0016419, OMIM 114480. Disease mechanism: loss of function.

gnomAD v4.1: 1 of 1,613,758 alleles (0.000062%); no homozygotes.

Submissions (3):

Labcorp Genetics (formerly Invitae), Labcorp
Classification: Uncertain significance for Familial cancer of breast. Last evaluated: 2025-11-10. Review status: criteria provided, single submitter. Criteria: Invitae Variant Classification Sherloc (09022015). Collection method: clinical testing. Allele origin: germline.
Comment: This sequence change replaces tyrosine, which is neutral and polar, with phenylalanine, which is neutral and non-polar, at codon 516 of the BARD1 protein (p.Tyr516Phe). This variant is not present in population databases (gnomAD no frequency). This variant has not been reported in the literature in individuals affected with BARD1-related conditions. ClinVar contains an entry for this variant (Variation ID: 233309). An algorithm developed to predict the effect of missense changes on protein structure and function (PolyPhen-2) suggests that this variant is likely to be tolerated. In summary, the available evidence is currently insufficient to determine the role of this variant in disease. Therefore, it has been classified as a Variant of Uncertain Significance.

Ambry Genetics
Classification: Uncertain significance for Hereditary cancer-predisposing syndrome. Last evaluated: 2024-12-08. Review status: criteria provided, single submitter. Criteria: Ambry Variant Classification Scheme 2023. Collection method: clinical testing. Allele origin: germline.
Comment: The p.Y516F variant (also known as c.1547A>T), located in coding exon 6 of the BARD1 gene, results from an A to T substitution at nucleotide position 1547. The tyrosine at codon 516 is replaced by phenylalanine, an amino acid with highly similar properties. This amino acid position is poorly conserved in available vertebrate species. In addition, this alteration is predicted to be tolerated by in silico analysis. Since supporting evidence is limited at this time, the clinical significance of p.Y516F remains unclear.

GeneDx
Classification: Uncertain significance. Last evaluated: 2016-01-25. Review status: criteria provided, single submitter. Criteria: GeneDx Variant Classification (06012015). Collection method: clinical testing. Allele origin: germline. Affected: yes.
Comment: This variant is denoted BARD1 c.1547A>T at the cDNA level, p.Tyr516Phe (Y516F) at the protein level, and results in the change of a Tyrosine to a Phenylalanine (TAT>TTT). This variant has not, to our knowledge, been published in the literature as pathogenic or benign. BARD1 Tyr516Phe was not observed in approximately 6,500 individuals of European and African American ancestry in the NHLBI Exome Sequencing Project, suggesting it is not a common benign variant in these populations. Since Tyrosine and Phenylalanine differ in polarity, charge, size or other properties, this is considered a non-conservative amino acid substitution. BARD1 Tyr516Phe occurs at a position that is not conserved and is located in the ANK 3 repeat region (UniProt). In silico analyses predict that this variant is unlikely to alter protein structure or function. Based on currently available evidence, it is unclear whether BARD1 Tyr516Phe is a pathogenic or benign variant. We consider it to be a variant of uncertain significance.

NM_000465.4(BARD1):c.1547A>T (p.Tyr516Phe)

Gene: BARD1 (BRCA1 associated RING domain 1; minus strand). Cytogenetic location: 2q35.
Variant type: single nucleotide variant.
Coding change: c.1547A>T on transcript NM_000465.4 (MANE Select); coding-DNA position 1547, A replaced by T.
Protein change: p.Tyr516Phe; replaces tyrosine 516 with phenylalanine.
Molecular consequence: missense variant. On other transcripts: non-coding transcript variant (3), intron variant (3).
Genome position (GRCh38, 1-based): chr2:214,767,503, T>A on the plus strand (A>T on the coding strand, the complement: BARD1 is on the minus strand). VCF-style: chr2-214767503-T-A. GRCh37 (hg19) VCF-style: chr2-215632227-T-A.
Other names: c.1490A>T, p.Tyr497Phe (NM_001282543.2); c.159-14948A>T (NM_001282548.2); c.216-14948A>T (NM_001282545.2); c.364+24794A>T (NM_001282549.2); short protein forms Y516F, Y497F.
Identifiers: ClinVar variation 233309 (VCV000233309.10), dbSNP rs876660325, ClinGen allele CA10577799.
Genomic context (GRCh38, chr2:214,767,503, plus strand): 5'-GGTCCATTTTAAAAATAATTTTTACGTTGAACTACTTACACAGCATTTCTGGAGGCTCCA[T>A]AGGAAAGTAACAGCTTGACTATATCCACATGCCCATTCTTGGCTGCATCGTGAAGTGGTG-3'
Protein context (NP_000456.2, residues 506-526): HVDIVKLLLS[Tyr516Phe]GASRNAVNIF